The following is an entry in ClinVar:

NM_000059.4(BRCA2):c.6674C>G (p.Thr2225Arg)

Gene: BRCA2 (BRCA2 DNA repair associated; plus strand). Cytogenetic location: 13q13.1.
Variant type: single nucleotide variant.
Coding change: c.6674C>G on transcript NM_000059.4 (MANE Select); coding-DNA position 6674, C replaced by G.
Protein change: p.Thr2225Arg; replaces threonine 2225 with arginine.
Molecular consequence: missense variant.
Genome position (GRCh38, 1-based): chr13:32,341,029, C>G. VCF-style: chr13-32341029-C-G. GRCh37 (hg19) VCF-style: chr13-32915166-C-G.
Other names: c.6674C>G, p.Thr2225Arg (NM_001406719.1, NM_001406720.1); short protein forms T2225R.
Identifiers: ClinVar variation 2015004 (VCV002015004.6), dbSNP rs786203437, ClinGen allele CA387790538.

ClinVar aggregate classification (germline): Conflicting classifications of pathogenicity. Review status: criteria provided, conflicting classifications (1 of 4 stars). 2 submissions from 2 submitters: Uncertain significance (1); Likely benign (1). Last evaluated 2023-03-23.

Conditions:
Hereditary cancer-predisposing syndrome. Also called: Hereditary Cancer Syndrome; Neoplastic Syndromes, Hereditary; Hereditary neoplastic syndrome; Tumor predisposition. Identifiers: Orphanet 140162, MedGen C0027672, MeSH D009386, MONDO:0015356.
Hereditary breast ovarian cancer syndrome. Also called: Hereditary breast and/or ovarian cancer syndrome; Hereditary breast and ovarian cancer syndrome; BRCA1- and BRCA2-Associated Hereditary Breast and Ovarian Cancer; Breast and ovarian cancer; Hereditary breast and ovarian cancer; Hereditary breast and ovarian cancer syndrome (HBOC). Identifiers: Orphanet 145, MedGen C0677776, MeSH D061325, MONDO:0003582. Disease mechanism: loss of function.

Submissions (2):

University of Washington Department of Laboratory Medicine, University of Washington
Classification: Likely benign for Hereditary cancer-predisposing syndrome. Last evaluated: 2023-03-23. Review status: criteria provided, single submitter. Criteria: Dines et al. (Genet Med. 2020). Collection method: curation. Allele origin: germline.
Comment: Missense variant in a coldspot region where missense variants are very unlikely to be pathogenic (PMID:31911673).

BRCA2 exon 11 coldspot. Reclassification based on statistical prior probability.

Labcorp Genetics (formerly Invitae), Labcorp
Classification: Uncertain significance for Hereditary breast ovarian cancer syndrome. Last evaluated: 2022-07-08. Review status: criteria provided, single submitter. Criteria: Invitae Variant Classification Sherloc (09022015). Collection method: clinical testing. Allele origin: germline.
Comment: This sequence change replaces threonine, which is neutral and polar, with arginine, which is basic and polar, at codon 2225 of the BRCA2 protein (p.Thr2225Arg). This variant is not present in population databases (gnomAD no frequency). This variant has not been reported in the literature in individuals affected with BRCA2-related conditions. Advanced modeling of protein sequence and biophysical properties (such as structural, functional, and spatial information, amino acid conservation, physicochemical variation, residue mobility, and thermodynamic stability) performed at Invitae indicates that this missense variant is not expected to disrupt BRCA2 protein function. In summary, the available evidence is currently insufficient to determine the role of this variant in disease. Therefore, it has been classified as a Variant of Uncertain Significance.